The following is an entry in ClinVar:

ClinVar aggregate classification (germline): Uncertain significance. Review status: criteria provided, multiple submitters, no conflicts (2 of 4 stars). 5 submissions from 5 submitters: Uncertain significance (5). Last evaluated 2025-09-09.

Conditions:
Inborn genetic diseases. Identifiers: MedGen C0950123, MeSH D030342.
Hereditary spastic paraplegia 54. Also called: Spastic paraplegia 54, autosomal recessive. Identifiers: Orphanet 320380, MedGen C3539495, MONDO:0014018, OMIM 615033.

Allele frequency attached by ClinVar (database versions not stated): gnomAD 0.00001 and 0.00003; TOPMed 0.00002; gnomAD exomes 0.00004 and 0.00007; ExAC 0.00008.
gnomAD v4.1: 61 of 1,613,996 alleles (0.0038%); highest among the groups gnomAD compares: Middle Eastern, 0.066%; no homozygotes.

Submissions (5):

Ambry Genetics
Classification: Uncertain significance for Inborn genetic diseases. Last evaluated: 2025-09-09. Review status: criteria provided, single submitter. Criteria: Ambry Variant Classification Scheme 2023. Collection method: clinical testing. Allele origin: germline.

Labcorp Genetics (formerly Invitae), Labcorp
Classification: Uncertain significance for Hereditary spastic paraplegia 54. Last evaluated: 2022-07-04. Review status: criteria provided, single submitter. Criteria: Invitae Variant Classification Sherloc (09022015). Collection method: clinical testing. Allele origin: germline.
Comment: This sequence change replaces methionine, which is neutral and non-polar, with isoleucine, which is neutral and non-polar, at codon 584 of the DDHD2 protein (p.Met584Ile). This variant is present in population databases (rs765137700, gnomAD 0.01%). This variant has not been reported in the literature in individuals affected with DDHD2-related conditions. ClinVar contains an entry for this variant (Variation ID: 1055709). Algorithms developed to predict the effect of missense changes on protein structure and function (SIFT, PolyPhen-2, Align-GVGD) all suggest that this variant is likely to be tolerated. In summary, the available evidence is currently insufficient to determine the role of this variant in disease. Therefore, it has been classified as a Variant of Uncertain Significance.

CeGaT Center for Human Genetics Tuebingen
Classification: Uncertain significance. Last evaluated: 2022-06-01. Review status: criteria provided, single submitter. Criteria: CeGaT Center For Human Genetics Tuebingen Variant Classification Criteria Version 2. Collection method: clinical testing. Allele origin: germline. Affected: yes. Observed: 1 variant allele.

Mayo Clinic Laboratories, Mayo Clinic
Classification: Uncertain significance. Last evaluated: 2021-07-08. Review status: criteria provided, single submitter. Criteria: ACMG Guidelines, 2015. Collection method: clinical testing. Allele origin: germline.

Breakthrough Genomics
Classification: Uncertain significance. Review status: criteria provided, single submitter. Criteria: ACMG Guidelines, 2015. Collection method: not provided. Allele origin: germline. Inheritance: Autosomal recessive inheritance. Affected: yes.

NM_015214.3(DDHD2):c.1752G>A (p.Met584Ile)

Gene: DDHD2 (DDHD domain containing 2; plus strand). Cytogenetic location: 8p11.23.
Variant type: single nucleotide variant.
Coding change: c.1752G>A on transcript NM_015214.3 (MANE Select); coding-DNA position 1752, G replaced by A.
Protein change: p.Met584Ile; replaces methionine 584 with isoleucine.
Molecular consequence: missense variant. On other transcripts: non-coding transcript variant (2).
Genome position (GRCh38, 1-based): chr8:38,252,988, G>A. VCF-style: chr8-38252988-G-A. GRCh37 (hg19) VCF-style: chr8-38110506-G-A.
Other names: p.Met584Ile; c.1752G>A, p.Met584Ile (NM_001164232.2, NM_001362911.2, NM_001362912.2 and 1 more transcripts); c.1662G>A, p.Met554Ile (NM_001362913.2); short protein forms M554I, M584I.
Identifiers: ClinVar variation 1055709 (VCV001055709.38), dbSNP rs765137700, ClinGen allele CA4716363.